The following is an entry in ClinVar:

NM_001080467.3(MYO5B):c.4976G>C (p.Arg1659Pro)

Genes: MYO5B (myosin VB; minus strand), SNHG22 (small nucleolar RNA host gene 22; plus strand). Cytogenetic location: 18q21.1.
Variant type: single nucleotide variant.
Coding change: c.4976G>C on transcript NM_001080467.3 (MANE Select); coding-DNA position 4976, G replaced by C.
Protein change: p.Arg1659Pro; replaces arginine 1659 with proline.
Molecular consequence: missense variant.
Genome position (GRCh38, 1-based): chr18:49,837,679, C>G on the plus strand (G>C on the coding strand, the complement: MYO5B is on the minus strand). VCF-style: chr18-49837679-C-G. GRCh37 (hg19) VCF-style: chr18-47364049-C-G.
Other names: short protein forms R1659P.
Identifiers: ClinVar variation 2013644 (VCV002013644.4), dbSNP rs372387496, ClinGen allele CA402421929.
Genomic context (GRCh38, chr18:49,837,679, plus strand): 5'-AGGATGATCTCAGGGTCCAAGCCCTGGTCACACATGACTGTATGAAAGGCATTCATCTGG[C>G]GGATGATAGCTTCCAGGCAGTATGAGTTATCCCCATCTGCCATGCTGGAGGAGCGCTTCC-3'
Protein context (NP_001073936.1, residues 1649-1669): DNSYCLEAII[Arg1659Pro]QMNAFHTVMC

ClinVar aggregate classification (germline): Uncertain significance (1 of 4 stars; one submission).

Submission:

Labcorp Genetics (formerly Invitae), Labcorp
Classification: Uncertain significance. Last evaluated: 2022-07-03. Review status: criteria provided, single submitter. Criteria: Invitae Variant Classification Sherloc (09022015). Collection method: clinical testing. Allele origin: germline.
Comment: In summary, the available evidence is currently insufficient to determine the role of this variant in disease. Therefore, it has been classified as a Variant of Uncertain Significance. Algorithms developed to predict the effect of missense changes on protein structure and function are either unavailable or do not agree on the potential impact of this missense change (SIFT: "Deleterious"; PolyPhen-2: "Possibly Damaging"; Align-GVGD: "Class C0"). This variant has not been reported in the literature in individuals affected with MYO5B-related conditions. This variant is not present in population databases (gnomAD no frequency). This sequence change replaces arginine, which is basic and polar, with proline, which is neutral and non-polar, at codon 1659 of the MYO5B protein (p.Arg1659Pro).